The following is an entry in ClinVar:

NM_001134363.3(RBM20):c.954A>G (p.Gln318=)

Gene: RBM20 (RNA binding motif protein 20; plus strand). Cytogenetic location: 10q25.2.
Variant type: single nucleotide variant.
Coding change: c.954A>G on transcript NM_001134363.3 (MANE Select); coding-DNA position 954, A replaced by G.
Protein change: p.Gln318=; no amino-acid change (glutamine 318 retained).
Molecular consequence: synonymous variant.
Genome position (GRCh38, 1-based): chr10:110,781,563, A>G. VCF-style: chr10-110781563-A-G. GRCh37 (hg19) VCF-style: chr10-112541321-A-G.
Identifiers: ClinVar variation 227897 (VCV000227897.13), dbSNP rs766779254, ClinGen allele CA5688543.

ClinVar aggregate classification (germline): Conflicting classifications of pathogenicity. Review status: criteria provided, conflicting classifications (1 of 4 stars). 3 submissions from 3 submitters: Uncertain significance (1); Likely benign (2). Last evaluated 2023-06-22.

Conditions:
Dilated cardiomyopathy 1DD (CMD1DD). Identifiers: Orphanet 154, MedGen C2750995, MONDO:0013168, OMIM 613172.

Allele frequency attached by ClinVar (database versions not stated): gnomAD exomes 0.00001 and 0.00002; TOPMed 0.00001; ExAC 0.00005.
gnomAD v4.1: 12 of 1,551,708 alleles (0.00077%); highest among the groups gnomAD compares: South Asian, 0.012%; no homozygotes.

Submissions (3):

Labcorp Genetics (formerly Invitae), Labcorp
Classification: Likely benign for Dilated cardiomyopathy 1DD. Last evaluated: 2023-06-22. Review status: criteria provided, single submitter. Criteria: Invitae Variant Classification Sherloc (09022015). Collection method: clinical testing. Allele origin: germline.

Illumina Laboratory Services, Illumina
Classification: Uncertain significance for Dilated cardiomyopathy 1DD. Last evaluated: 2018-01-13. Review status: criteria provided, single submitter. Criteria: ICSL Variant Classification Criteria 13 December 2019. Collection method: clinical testing. Allele origin: germline.

Laboratory for Molecular Medicine, Mass General Brigham Personalized Medicine
Classification: Likely benign. Last evaluated: 2015-02-20. Review status: criteria provided, single submitter. Criteria: LMM Criteria. Collection method: clinical testing. Allele origin: germline. Observed: 1 variant allele.
Comment: p.Gln318Gln in exon 2 of RBM20: This variant is not expected to have clinical si gnificance because it does not alter an amino acid residue and is not located wi thin the splice consensus sequence.